The following is an entry in ClinVar:

NM_017780.4(CHD7):c.8236G>A (p.Val2746Met)

Gene: CHD7 (chromodomain helicase DNA binding protein 7; plus strand). Cytogenetic location: 8q12.2.
Variant type: single nucleotide variant.
Coding change: c.8236G>A on transcript NM_017780.4 (MANE Select); coding-DNA position 8236, G replaced by A.
Protein change: p.Val2746Met; replaces valine 2746 with methionine.
Molecular consequence: missense variant.
Genome position (GRCh38, 1-based): chr8:60,865,175, G>A. VCF-style: chr8-60865175-G-A. GRCh37 (hg19) VCF-style: chr8-61777734-G-A.
Other names: c.8236G>A (NM_017780.3); c.2089G>A, p.Val697Met (NM_001316690.1); short protein forms V2746M, V697M.
Identifiers: ClinVar variation 3019668 (VCV003019668.4), dbSNP rs762924490, ClinGen allele CA4760971.

ClinVar aggregate classification (germline): Uncertain significance. Review status: criteria provided, multiple submitters, no conflicts (2 of 4 stars). 2 submissions from 2 submitters: Uncertain significance (2). Last evaluated 2026-04-27.

Conditions:
Inborn genetic diseases. Identifiers: MedGen C0950123, MeSH D030342.
CHARGE syndrome (CHARGE). Also called: Hittner Hirsch Kreh syndrome; CHARGE ASSOCIATION--COLOBOMA, HEART ANOMALY, CHOANAL ATRESIA, RETARDATION, GENITAL AND EAR ANOMALIES; Coloboma, heart anomaly, choanal atresia, retardation, genital and ear anomalies; CHARGE association; Hall-Hittner syndrome. Identifiers: Orphanet 138, MedGen C0265354, MONDO:0008965.

Allele frequency attached by ClinVar (database versions not stated): gnomAD exomes 0.00001; TOPMed 0.00001; ExAC 0.00003.
gnomAD v4.1: 18 of 1,612,128 alleles (0.0011%); highest among the groups gnomAD compares: Middle Eastern, 0.033%; no homozygotes.

Submissions (2):

Ambry Genetics
Classification: Uncertain significance for Inborn genetic diseases. Last evaluated: 2026-04-27. Review status: criteria provided, single submitter. Criteria: Ambry Variant Classification Scheme 2023. Collection method: clinical testing. Allele origin: germline.
Comment: The c.8236G>A (p.V2746M) alteration is located in exon 38 (coding exon 37) of the CHD7 gene. This alteration results from a G to A substitution at nucleotide position 8236, causing the valine (V) at amino acid position 2746 to be replaced by a methionine (M). Based on data from gnomAD, the A allele has an overall frequency of 0.001% (3/244856) total alleles studied. The highest observed frequency was 0.003% (3/111116) of European (non-Finnish) alleles. Based on insufficient or conflicting evidence, the clinical significance of this alteration remains unclear.

Labcorp Genetics (formerly Invitae), Labcorp
Classification: Uncertain significance for CHARGE syndrome. Last evaluated: 2025-09-29. Review status: criteria provided, single submitter. Criteria: Invitae Variant Classification Sherloc (09022015). Collection method: clinical testing. Allele origin: germline.
Comment: This sequence change replaces valine, which is neutral and non-polar, with methionine, which is neutral and non-polar, at codon 2746 of the CHD7 protein (p.Val2746Met). This variant is present in population databases (rs762924490, gnomAD 0.003%). This variant has not been reported in the literature in individuals affected with CHD7-related conditions. ClinVar contains an entry for this variant (Variation ID: 3019668). Invitae Evidence Modeling of protein sequence and biophysical properties (such as structural, functional, and spatial information, amino acid conservation, physicochemical variation, residue mobility, and thermodynamic stability) indicates that this missense variant is not expected to disrupt CHD7 protein function with a negative predictive value of 80%. In summary, the available evidence is currently insufficient to determine the role of this variant in disease. Therefore, it has been classified as a Variant of Uncertain Significance.